The following is an entry in ClinVar:

ClinVar aggregate classification (germline): Uncertain significance (1 of 4 stars; one submission).

Conditions:
MC3R-related disorder. Also called: MC3R-related condition.

Submission:

PreventionGenetics, part of Exact Sciences
Classification: Uncertain significance for MC3R-related condition. Last evaluated: 2026-06-29. Review status: criteria provided, single submitter. Criteria: ACMG Guidelines, 2015. Collection method: clinical testing. Allele origin: germline.
Comment: The MC3R c.628_629delAT variant is predicted to result in a frameshift and premature protein termination (p.Met210Valfs*101). To our knowledge, this variant has not been reported in the literature. This variant is reported in 0.0033% of alleles in individuals of South Asian descent in gnomAD. Although we suspect that this variant may be pathogenic, at this time, the clinical significance of this variant is uncertain due to the absence of conclusive functional and genetic evidence.

NM_019888.3(MC3R):c.628_629del (p.Met210fs)

Gene: MC3R (melanocortin 3 receptor; plus strand). Cytogenetic location: 20q13.2.
Variant type: Deletion.
Coding change: c.628_629del on transcript NM_019888.3 (MANE Select); coding-DNA positions 628 to 629, 2 bases deleted (AT; older notation c.628_629delAT).
Protein change: p.Met210fs; shifts the reading frame from methionine 210.
Molecular consequence: frameshift variant.
Genome position (GRCh38, 1-based): chr20:56,249,471-56,249,472, AT deleted. VCF-style (leftmost placement, unchanged base first): chr20-56249470-CAT-C. GRCh37 (hg19) VCF-style: chr20-54824526-CAT-C.
Other names: c.628_629delAT (NM_019888.3); short protein forms M210fs.
Identifiers: ClinVar variation 4979719 (VCV004979719.1).
Genomic context (GRCh38, chr20:56,249,470, plus strand): 5'-TGTGTGCCTCATCACCATGTTCTTCGCCATGATGCTCCTCATGGGCACCCTCTACGTGCA[CAT>C]GTTCCTCTTTGCGCGGCTGCACGTCAAGCGCATAGCAGCACTGCCACCTGCCGACGGGGT-3'